The following is an entry in ClinVar:

NM_022350.5(ERAP2):c.637G>T (p.Glu213Ter)

Genes: ERAP1 (endoplasmic reticulum aminopeptidase 1; minus strand), ERAP2 (endoplasmic reticulum aminopeptidase 2; plus strand). Cytogenetic location: 5q15.
Variant type: single nucleotide variant.
Coding change: c.637G>T on transcript NM_022350.5 (MANE Select); coding-DNA position 637, G replaced by T.
Protein change: p.Glu213Ter; replaces glutamic acid 213 with a stop codon.
Molecular consequence: nonsense.
Genome position (GRCh38, 1-based): chr5:96,883,853, G>T. VCF-style: chr5-96883853-G-T. GRCh37 (hg19) VCF-style: chr5-96219557-G-T.
Other names: c.637G>T, p.Glu213Ter (NM_001130140.3, NM_001329229.2, NM_001329233.2); short protein forms E213*.
Identifiers: ClinVar variation 2655600 (VCV002655600.24), dbSNP rs79422968, ClinGen allele CA122993089.

ClinVar aggregate classification (germline): Uncertain significance (1 of 4 stars; one submission).

Allele frequency attached by ClinVar (database versions not stated): gnomAD exomes below 0.00001.
gnomAD v4.1: 7 of 1,613,818 alleles (0.00043%); highest among the groups gnomAD compares: Middle Eastern, 0.017%; no homozygotes.

Submission:

CeGaT Center for Human Genetics Tuebingen
Classification: Uncertain significance. Last evaluated: 2023-04-01. Review status: criteria provided, single submitter. Criteria: CeGaT Center For Human Genetics Tuebingen Variant Classification Criteria Version 2. Collection method: clinical testing. Allele origin: germline. Affected: yes. Observed: 1 variant allele.
Comment: ERAP2: PM2